The following is an entry in ClinVar:

NM_001166108.2(PALLD):c.758A>T (p.His253Leu)

Gene: PALLD (palladin, cytoskeletal associated protein; plus strand). Cytogenetic location: 4q32.3.
Variant type: single nucleotide variant.
Coding change: c.758A>T on transcript NM_001166108.2 (MANE Select); coding-DNA position 758, A replaced by T.
Protein change: p.His253Leu; replaces histidine 253 with leucine.
Molecular consequence: missense variant.
Genome position (GRCh38, 1-based): chr4:168,512,262, A>T. VCF-style: chr4-168512262-A-T. GRCh37 (hg19) VCF-style: chr4-169433413-A-T.
Other names: c.758A>T, p.His253Leu (NM_016081.4); short protein forms H253L.
Identifiers: ClinVar variation 3304058 (VCV003304058.1).

ClinVar aggregate classification (germline): Uncertain significance (1 of 4 stars; one submission).

Submission:

Ambry Genetics
Classification: Uncertain significance. Last evaluated: 2024-04-10. Review status: criteria provided, single submitter. Criteria: Ambry Variant Classification Scheme 2023. Collection method: clinical testing. Allele origin: germline.
Comment: The p.H253L variant (also known as c.758A>T), located in coding exon 1 of the PALLD gene, results from an A to T substitution at nucleotide position 758. The histidine at codon 253 is replaced by leucine, an amino acid with similar properties. This amino acid position is conserved. In addition, this alteration is predicted to be tolerated by in silico analysis. Based on the available evidence, the clinical significance of this variant remains unclear.